The following is an entry in ClinVar:

NM_001481.3(DRC4):c.1011+1G>T

Gene: DRC4 (dynein regulatory complex subunit 4; plus strand). Cytogenetic location: 16q24.3.
Variant type: single nucleotide variant.
Coding change: c.1011+1G>T on transcript NM_001481.3 (MANE Select); the canonical splice donor site of the intron after coding-DNA position 1011, G replaced by T.
Molecular consequence: splice donor variant.
Genome position (GRCh38, 1-based): chr16:90,037,849, G>T. VCF-style: chr16-90037849-G-T. GRCh37 (hg19) VCF-style: chr16-90104257-G-T.
Other names: c.936+1G>T (NM_001286209.2); c.762+1G>T (NM_001286205.2); c.435+1G>T (NM_001286208.2).
Identifiers: ClinVar variation 4782919 (VCV004782919.1).

ClinVar aggregate classification (germline): Likely pathogenic (1 of 4 stars; one submission).

Conditions:
Primary ciliary dyskinesia 33. Also called: CILIARY DYSKINESIA, PRIMARY, 33, WITHOUT SITUS INVERSUS. Identifiers: Orphanet 244, MedGen C4225230, MONDO:0014750, OMIM 616726.

gnomAD v4.1: 1 of 1,613,618 alleles (0.000062%); highest among the groups gnomAD compares: Non-Finnish European, 0.000085%; no homozygotes.

Submission:

Labcorp Genetics (formerly Invitae), Labcorp
Classification: Likely pathogenic for Primary ciliary dyskinesia 33. Last evaluated: 2025-03-04. Review status: criteria provided, single submitter. Criteria: Invitae Variant Classification Sherloc (09022015). Collection method: clinical testing. Allele origin: germline.
Comment: This sequence change affects a donor splice site in intron 8 of the GAS8 gene. It is expected to disrupt RNA splicing. Variants that disrupt the donor or acceptor splice site typically lead to a loss of protein function (PMID: 16199547), and loss-of-function variants in GAS8 are known to be pathogenic (PMID: 26387594). This variant is not present in population databases (gnomAD no frequency). This variant has not been reported in the literature in individuals affected with GAS8-related conditions. Algorithms developed to predict the effect of sequence changes on RNA splicing suggest that this variant may disrupt the consensus splice site. In summary, the currently available evidence indicates that the variant is pathogenic, but additional data are needed to prove that conclusively. Therefore, this variant has been classified as Likely Pathogenic.

Literature cited by the submitters: PubMed 16199547; PubMed 26387594.